The following is an entry in ClinVar:

ClinVar aggregate classification (germline): Uncertain significance (1 of 4 stars; one submission).

Allele frequency attached by ClinVar (database versions not stated): TOPMed below 0.00001.
gnomAD v4.1: 11 of 1,614,052 alleles (0.00068%); highest among the groups gnomAD compares: Admixed American, 0.0033%; no homozygotes.

Submission:

Labcorp Genetics (formerly Invitae), Labcorp
Classification: Uncertain significance. Last evaluated: 2025-12-08. Review status: criteria provided, single submitter. Criteria: Invitae Variant Classification Sherloc (09022015). Collection method: clinical testing. Allele origin: germline.
Comment: This sequence change replaces alanine, which is neutral and non-polar, with glycine, which is neutral and non-polar, at codon 99 of the BNC2 protein (p.Ala99Gly). This variant is not present in population databases (gnomAD no frequency). This variant has not been reported in the literature in individuals affected with BNC2-related conditions. ClinVar contains an entry for this variant (Variation ID: 2900938). An algorithm developed to predict the effect of missense changes on protein structure and function (PolyPhen-2) suggests that this variant is likely to be tolerated. In summary, the available evidence is currently insufficient to determine the role of this variant in disease. Therefore, it has been classified as a Variant of Uncertain Significance.

NM_017637.6(BNC2):c.296C>G (p.Ala99Gly)

Gene: BNC2 (basonuclin zinc finger protein 2; minus strand). Cytogenetic location: 9p22.2.
Variant type: single nucleotide variant.
Coding change: c.296C>G on transcript NM_017637.6 (MANE Select); coding-DNA position 296, C replaced by G.
Protein change: p.Ala99Gly; replaces alanine 99 with glycine.
Molecular consequence: missense variant. On other transcripts: intron variant (1).
Genome position (GRCh38, 1-based): chr9:16,727,831, G>C on the plus strand (C>G on the coding strand, the complement: BNC2 is on the minus strand). VCF-style: chr9-16727831-G-C. GRCh37 (hg19) VCF-style: chr9-16727829-G-C.
Other names: c.170C>G, p.Ala57Gly (NM_001317939.2); c.45+104413C>G (NM_001317940.2); short protein forms A99G, A57G.
Identifiers: ClinVar variation 2900938 (VCV002900938.3), dbSNP rs904959500, ClinGen allele CA190569651.